The following is an entry in ClinVar:

NM_000439.5(PCSK1):c.1776C>T (p.His592=)

Genes: PCSK1 (proprotein convertase subtilisin/kexin type 1; minus strand), CAST (calpastatin; plus strand), LOC101929710 (uncharacterized LOC101929710; plus strand). Cytogenetic location: 5q15.
Variant type: single nucleotide variant.
Coding change: c.1776C>T on transcript NM_000439.5 (MANE Select); coding-DNA position 1776, C replaced by T.
Protein change: p.His592=; no amino-acid change (histidine 592 retained).
Molecular consequence: synonymous variant. On other transcripts: intron variant (11).
Genome position (GRCh38, 1-based): chr5:96,394,972, G>A on the plus strand (C>T on the coding strand, the complement: PCSK1 is on the minus strand). VCF-style: chr5-96394972-G-A. GRCh37 (hg19) VCF-style: chr5-95730676-G-A.
Other names: c.-103+15320G>A (NM_001423253.1); c.-175+15320G>A (NM_001423255.1, NM_001423250.1, NM_001423251.1 and 6 more transcripts); c.-40+15320G>A (NM_001423258.1); c.1635C>T, p.His545= (NM_001177875.2).
Identifiers: ClinVar variation 3045446 (VCV003045446.2), dbSNP rs147790920, ClinGen allele CA3350135.
Genomic context (GRCh38, chr5:96,394,972, plus strand): 5'-AGTGTTGTAGGACGTGTACACACGAGGCTGCTTCATATGCTCTGGCTGAGAAGAGGTCCC[G>A]TGCAAAATCAGCTTCCAGTTCACAATTCTTCCTTCATTTTGAATTCTTCCAGACTAACAA-3'
Protein context (NP_000430.3, residues 582-602): GRIVNWKLIL[His592=]GTSSQPEHMK

ClinVar aggregate classification (germline): Likely benign (0 of 4 stars; one submission).

Conditions:
PCSK1-related disorder. Also called: PCSK1-related condition.

Allele frequency attached by ClinVar (database versions not stated): ExAC 0.00004; gnomAD 0.00004; TOPMed 0.00005; ESP Exome Variant Server 0.00015.
gnomAD v4.1: 83 of 1,613,682 alleles (0.0051%); highest among the groups gnomAD compares: East Asian, 0.038%; no homozygotes.

Submission:

PreventionGenetics, part of Exact Sciences
Classification: Likely benign for PCSK1-related condition. Last evaluated: 2019-03-25. Review status: no assertion criteria provided. Collection method: clinical testing. Allele origin: germline.
Comment: This variant is classified as likely benign based on ACMG/AMP sequence variant interpretation guidelines (Richards et al. 2015 PMID: 25741868, with internal and published modifications).